The following is an entry in ClinVar:

NM_006329.4(FBLN5):c.1113G>A (p.Thr371=)

Gene: FBLN5 (fibulin 5; minus strand). Cytogenetic location: 14q32.12.
Variant type: single nucleotide variant.
Coding change: c.1113G>A on transcript NM_006329.4 (MANE Select); coding-DNA position 1113, G replaced by A.
Protein change: p.Thr371=; no amino-acid change (threonine 371 retained).
Molecular consequence: synonymous variant.
Genome position (GRCh38, 1-based): chr14:91,877,559, C>T on the plus strand (G>A on the coding strand, the complement: FBLN5 is on the minus strand). VCF-style: chr14-91877559-C-T. GRCh37 (hg19) VCF-style: chr14-92343903-C-T.
Other names: c.1236G>A, p.Thr412= (NM_001384158.1); c.1164G>A, p.Thr388= (NM_001384159.1); c.1113G>A, p.Thr371= (NM_001384160.1); c.945G>A, p.Thr315= (NM_001384161.1, NM_001384162.1).
Identifiers: ClinVar variation 314873 (VCV000314873.23), dbSNP rs560780691, ClinGen allele CA7312618.

ClinVar aggregate classification (germline): Benign/Likely benign. Review status: criteria provided, multiple submitters, no conflicts (2 of 4 stars). 5 submissions from 4 submitters: Benign (2); Likely benign (3). Last evaluated 2026-01-19.

Conditions:
Cutis laxa. Identifiers: Orphanet 209, MedGen C0010495, MONDO:0016175, HP:0000973.
Macular degeneration, age-related, 3 (ARMD3). Identifiers: Orphanet 280598, MedGen C1837187, MONDO:0012145, OMIM 608895.

Allele frequency attached by ClinVar (database versions not stated): gnomAD 0.00008 and 0.00017; gnomAD exomes 0.00018 and 0.00052; 1000 Genomes Project 0.00020; TOPMed 0.00026; 1000 Genomes Project 30x 0.00031; ExAC 0.00051.
gnomAD v4.1: 317 of 1,614,140 alleles (0.02%); highest among the groups gnomAD compares: East Asian, 0.28%; 2 homozygotes.

Submissions (5):

Labcorp Genetics (formerly Invitae), Labcorp
Classification: Benign. Last evaluated: 2026-01-19. Review status: criteria provided, single submitter. Criteria: Invitae Variant Classification Sherloc (09022015). Collection method: clinical testing. Allele origin: germline.

CeGaT Center for Human Genetics Tuebingen
Classification: Likely benign. Last evaluated: 2025-07-01. Review status: criteria provided, single submitter. Criteria: CeGaT Center For Human Genetics Tuebingen Variant Classification Criteria Version 2. Collection method: clinical testing. Allele origin: germline. Affected: yes. Observed: 1 variant allele.
Comment: FBLN5: BP4, BP7

Blueprint Genetics
Classification: Likely benign. Last evaluated: 2024-11-26. Review status: criteria provided, single submitter. Criteria: ACMG Guidelines, 2015. Collection method: clinical testing. Allele origin: germline.

Illumina Laboratory Services, Illumina
Classification: Likely benign for Macular degeneration, age-related, 3. Last evaluated: 2018-01-12. Review status: criteria provided, single submitter. Criteria: ICSL Variant Classification Criteria 13 December 2019. Collection method: clinical testing. Allele origin: germline.
Comment: This variant was observed in the ICSL laboratory as part of a predisposition screen in an ostensibly healthy population. It had not been previously curated by ICSL or reported in the Human Gene Mutation Database (HGMD: prior to June 1st, 2018), and was therefore a candidate for classification through an automated scoring system. Utilizing variant allele frequency, disease prevalence and penetrance estimates, and inheritance mode, an automated score was calculated to assess if this variant is too frequent to cause the disease. Based on the score and internal cut-off values, a variant classified as likely benign is not then subjected to further curation. The score for this variant resulted in a classification of likely benign for this disease.

Illumina Laboratory Services, Illumina
Classification: Benign for Cutis laxa. Last evaluated: 2018-01-12. Review status: criteria provided, single submitter. Criteria: ICSL Variant Classification Criteria 13 December 2019. Collection method: clinical testing. Allele origin: germline.
Comment: This variant was observed in the ICSL laboratory as part of a predisposition screen in an ostensibly healthy population. It had not been previously curated by ICSL or reported in the Human Gene Mutation Database (HGMD: prior to June 1st, 2018), and was therefore a candidate for classification through an automated scoring system. Utilizing variant allele frequency, disease prevalence and penetrance estimates, and inheritance mode, an automated score was calculated to assess if this variant is too frequent to cause the disease. Based on the score and internal cut-off values, a variant classified as benign is not then subjected to further curation. The score for this variant resulted in a classification of benign for this disease.